The following is an entry in ClinVar:

NM_000359.3(TGM1):c.320-10_320-9delinsAGAGCATGCTACAG

Gene: TGM1 (transglutaminase 1; minus strand). Cytogenetic location: 14q12.
Variant type: Indel.
Coding change: c.320-10_320-9delinsAGAGCATGCTACAG on transcript NM_000359.3 (MANE Select); 10 bases into the intron before coding-DNA position 320 through 9 bases into the intron before coding-DNA position 320, GT replaced by AGAGCATGCTACAG.
Molecular consequence: intron variant.
Genome position (GRCh38, 1-based): chr14:24,261,892-24,261,893, AC replaced by CTGTAGCATGCTCT on the plus strand (GT replaced by AGAGCATGCTACAG on the coding strand, the reverse complement: TGM1 is on the minus strand). VCF-style: chr14-24261892-AC-CTGTAGCATGCTCT. GRCh37 (hg19) VCF-style: chr14-24731098-AC-CTGTAGCATGCTCT.
Identifiers: ClinVar variation 3576564 (VCV003576564.2).

ClinVar aggregate classification (germline): Conflicting classifications of pathogenicity. Review status: criteria provided, conflicting classifications (1 of 4 stars). 2 submissions from 2 submitters: Likely pathogenic (1); Uncertain significance (1). Last evaluated 2026-01-29.

Conditions:
Autosomal recessive congenital ichthyosis 1 (LI1). Also called: COLLODION FETUS; DESQUAMATION OF NEWBORN; ICHTHYOSIS CONGENITA; ICHTHYOSIS CONGENITA II; LAMELLAR EXFOLIATION OF NEWBORN; ICHTHYOSIS, CONGENITAL, AUTOSOMAL RECESSIVE 1, WITH BATHING SUIT DISTRIBUTION. Identifiers: MedGen C4551630, MONDO:0009441, OMIM 242300.

Submissions (2):

Myriad Genetics, Inc.
Classification: Uncertain significance for Autosomal recessive congenital ichthyosis 1. Last evaluated: 2026-01-29. Review status: criteria provided, single submitter. Criteria: Myriad Autosomal Dominant, Autosomal Recessive and X-Linked Classification Criteria (2023). Collection method: clinical testing. Allele origin: unknown.
Comment: NM_000359.2(TGM1):c.320-10_320-9del2ins14 is an intronic variant classified as a variant of uncertain significance in the context of TGM1-related autosomal recessive congenital ichthyosis. c.320-10_320-9del2ins14 has been observed in a case with relevant disease (PMID: 31168818). Relevant functional assessments of this variant are not available in the literature. c.320-10_320-9del2ins14 has not been observed in referenced population frequency databases. In summary, there is insufficient evidence to classify NM_000359.2(TGM1):c.320-10_320-9del2ins14 as pathogenic or benign. Please note: this variant was assessed in the context of healthy population screening.

Fulgent Genetics
Classification: Likely pathogenic for Autosomal recessive congenital ichthyosis 1. Last evaluated: 2024-05-19. Review status: criteria provided, single submitter. Criteria: ACMG Guidelines, 2015. Collection method: clinical testing. Allele origin: germline.

Literature cited by the submitters: PubMed 31168818 (cited by Myriad Genetics, Inc.).